The following is an entry in ClinVar:

NM_182961.4(SYNE1):c.22479G>T (p.Gln7493His)

Gene: SYNE1 (spectrin repeat containing nuclear envelope protein 1; minus strand). Cytogenetic location: 6q25.2.
Variant type: single nucleotide variant.
Coding change: c.22479G>T on transcript NM_182961.4 (MANE Select); coding-DNA position 22479, G replaced by T.
Protein change: p.Gln7493His; replaces glutamine 7493 with histidine.
Molecular consequence: missense variant.
Genome position (GRCh38, 1-based): chr6:152,213,627, C>A on the plus strand (G>T on the coding strand, the complement: SYNE1 is on the minus strand). VCF-style: chr6-152213627-C-A. GRCh37 (hg19) VCF-style: chr6-152534762-C-A.
Other names: c.22266G>T, p.Gln7422His (NM_033071.5); short protein forms Q7493H, Q7422H.
Identifiers: ClinVar variation 1964977 (VCV001964977.5), dbSNP rs1314619363, ClinGen allele CA366099022.

ClinVar aggregate classification (germline): Uncertain significance (1 of 4 stars; one submission).

Conditions:
Emery-Dreifuss muscular dystrophy 4, autosomal dominant (EDMD4). Also called: EMERY-DREIFUSS MUSCULAR DYSTROPHY 4 WITH VARIABLE FEATURES. Identifiers: Orphanet 261, MedGen C2751807, MONDO:0013071, OMIM 612998.
Autosomal recessive ataxia, Beauce type. Also called: SYNE1 Deficiency; Spinocerebellar ataxia, autosomal recessive 8; ATAXIA, RECESSIVE, OF BEAUCE; SYNE1-Related Autosomal Recessive Cerebellar Ataxia. Identifiers: Orphanet 88644, MedGen C1853116, MONDO:0012549, OMIM 610743.

Submission:

Labcorp Genetics (formerly Invitae), Labcorp
Classification: Uncertain significance for Emery-Dreifuss muscular dystrophy 4, autosomal dominant; Autosomal recessive ataxia, Beauce type. Last evaluated: 2026-01-19. Review status: criteria provided, single submitter. Criteria: Invitae Variant Classification Sherloc (09022015). Collection method: clinical testing. Allele origin: germline.
Comment: This sequence change replaces glutamine, which is neutral and polar, with histidine, which is basic and polar, at codon 7422 of the SYNE1 protein (p.Gln7422His). This variant is not present in population databases (gnomAD no frequency). This variant has not been reported in the literature in individuals affected with SYNE1-related conditions. ClinVar contains an entry for this variant (Variation ID: 1964977). An algorithm developed to predict the effect of missense changes on protein structure and function (PolyPhen-2) suggests that this variant is likely to be disruptive. In summary, the available evidence is currently insufficient to determine the role of this variant in disease. Therefore, it has been classified as a Variant of Uncertain Significance.